The following is an entry in ClinVar:

NM_001005242.3(PKP2):c.1177C>T (p.Gln393Ter)

Gene: PKP2 (plakophilin 2; minus strand). Cytogenetic location: 12p11.21.
Variant type: single nucleotide variant.
Coding change: c.1177C>T on transcript NM_001005242.3 (MANE Select); coding-DNA position 1177, C replaced by T.
Protein change: p.Gln393Ter; replaces glutamine 393 with a stop codon.
Molecular consequence: nonsense.
Genome position (GRCh38, 1-based): chr12:32,850,967, G>A on the plus strand (C>T on the coding strand, the complement: PKP2 is on the minus strand). VCF-style: chr12-32850967-G-A. GRCh37 (hg19) VCF-style: chr12-33003901-G-A.
Other names: c.1177C>T, p.Gln393Ter (NM_004572.4); short protein forms Q393*.
Identifiers: ClinVar variation 188658 (VCV000188658.13), dbSNP rs786204393, ClinGen allele CA010892.

ClinVar aggregate classification (germline): Pathogenic/Likely pathogenic. Review status: criteria provided, multiple submitters, no conflicts (2 of 4 stars). 4 submissions from 4 submitters: Pathogenic (2); Likely pathogenic (2). Last evaluated 2024-08-28.

Conditions:
Arrhythmogenic right ventricular dysplasia 9 (ARVD9). Also called: Arrhythmogenic Right Ventricular Dysplasia/Cardiomyopathy 9; ARRHYTHMOGENIC RIGHT VENTRICULAR DYSPLASIA, FAMILIAL, 9. Identifiers: MedGen C1836906, MONDO:0012180, OMIM 609040.
Cardiovascular phenotype. Identifiers: MedGen CN230736.

Allele frequency attached by ClinVar (database versions not stated): gnomAD exomes below 0.00001; TOPMed below 0.00001.
gnomAD v4.1: 2 of 1,613,728 alleles (0.00012%); highest among the groups gnomAD compares: African/African-American, 0.0013%; no homozygotes.

Submissions (4):

Labcorp Genetics (formerly Invitae), Labcorp
Classification: Pathogenic for Arrhythmogenic right ventricular dysplasia 9. Last evaluated: 2024-08-28. Review status: criteria provided, single submitter. Criteria: Invitae Variant Classification Sherloc (09022015). Collection method: clinical testing. Allele origin: germline.
Comment: This sequence change creates a premature translational stop signal (p.Gln393*) in the PKP2 gene. It is expected to result in an absent or disrupted protein product. Loss-of-function variants in PKP2 are known to be pathogenic (PMID: 15489853, 17041889, 23911551). This variant is not present in population databases (gnomAD no frequency). This premature translational stop signal has been observed in individual(s) with clinical features of arrhythmogenic right ventricular cardiomyopathy (PMID: 23812740, 27532257). ClinVar contains an entry for this variant (Variation ID: 188658). For these reasons, this variant has been classified as Pathogenic.

Fulgent Genetics
Classification: Likely pathogenic for Arrhythmogenic right ventricular dysplasia 9. Last evaluated: 2024-01-25. Review status: criteria provided, single submitter. Criteria: ACMG Guidelines, 2015. Collection method: clinical testing. Allele origin: germline.

GeneDx
Classification: Likely pathogenic. Last evaluated: 2021-11-05. Review status: criteria provided, single submitter. Criteria: GeneDx Variant Classification Process June 2021. Collection method: clinical testing. Allele origin: germline. Affected: yes.
Comment: Reported in association with arrhythmogenic right ventricular cardiomyopathy (ARVC) (Baskin et al., 2013; Walsh et al., 2017); Not observed at significant frequency in large population cohorts (Lek et al., 2016); Nonsense variant predicted to result in protein truncation or nonsense mediated decay in a gene for which loss-of-function is a known mechanism of disease; This variant is associated with the following publications: (PMID: 27532257, 23812740, 31402444, 26582918)

Ambry Genetics
Classification: Pathogenic for Cardiovascular phenotype. Last evaluated: 2019-08-30. Review status: criteria provided, single submitter. Criteria: Ambry Variant Classification Scheme 2023. Collection method: clinical testing. Allele origin: germline.
Comment: The p.Q393* pathogenic mutation (also known as c.1177C>T), located in coding exon 5 of the PKP2 gene, results from a C to T substitution at nucleotide position 1177. This changes the amino acid from a glutamine to a stop codon within coding exon 5. This alteration has been reported in association with arrhythmogenic right ventricular cardiomyopathy (ARVC) (Baskin B et al. Hum. Genet., 2013 Nov;132:1245-52; Walsh R et al. Genet. Med., 2017 02;19:192-203). In addition to the clinical data presented in the literature, this alteration is expected to result in loss of function by premature protein truncation or nonsense-mediated mRNA decay. As such, this alteration is interpreted as a disease-causing mutation.

Literature cited by the submitters: PubMed 15489853 (cited by Labcorp Genetics (formerly Invitae), Labcorp); PubMed 17041889 (cited by Labcorp Genetics (formerly Invitae), Labcorp); PubMed 23911551 (cited by Labcorp Genetics (formerly Invitae), Labcorp); PubMed 23812740 (cited by Labcorp Genetics (formerly Invitae), Labcorp and Ambry Genetics); PubMed 27532257 (cited by Labcorp Genetics (formerly Invitae), Labcorp and Ambry Genetics).